The following is an entry in ClinVar:

NM_000287.4(PEX6):c.2597A>C (p.Lys866Thr)

Gene: PEX6 (peroxisomal biogenesis factor 6; minus strand). Cytogenetic location: 6p21.1.
Variant type: single nucleotide variant.
Coding change: c.2597A>C on transcript NM_000287.4 (MANE Select); coding-DNA position 2597, A replaced by C.
Protein change: p.Lys866Thr; replaces lysine 866 with threonine.
Molecular consequence: missense variant. On other transcripts: non-coding transcript variant (1).
Genome position (GRCh38, 1-based): chr6:42,965,144, T>G on the plus strand (A>C on the coding strand, the complement: PEX6 is on the minus strand). VCF-style: chr6-42965144-T-G. GRCh37 (hg19) VCF-style: chr6-42932882-T-G.
Other names: c.2333A>C, p.Lys778Thr (NM_001316313.2); short protein forms K778T, K866T.
Identifiers: ClinVar variation 4532486 (VCV004532486.1).

ClinVar aggregate classification (germline): Uncertain significance (1 of 4 stars; one submission).

Submission:

GeneDx
Classification: Uncertain significance. Last evaluated: 2025-05-27. Review status: criteria provided, single submitter. Criteria: GeneDx Variant Classification Process June 2021. Collection method: clinical testing. Allele origin: germline. Affected: yes.
Comment: Not observed at significant frequency in large population cohorts (gnomAD); In silico analysis supports that this missense variant has a deleterious effect on protein structure/function; Has not been previously published as pathogenic or benign to our knowledge